The following is an entry in ClinVar:

ClinVar aggregate classification (germline): Uncertain significance (1 of 4 stars; one submission).

Conditions:
Rhabdoid tumor predisposition syndrome 2 (RTPS2). Identifiers: Orphanet 231108, Orphanet 69077, MedGen C2750074, MONDO:0013224, OMIM 613325.

Submission:

Labcorp Genetics (formerly Invitae), Labcorp
Classification: Uncertain significance for Rhabdoid tumor predisposition syndrome 2. Last evaluated: 2022-05-06. Review status: criteria provided, single submitter. Criteria: Invitae Variant Classification Sherloc (09022015). Collection method: clinical testing. Allele origin: germline.
Comment: Algorithms developed to predict the effect of sequence changes on RNA splicing suggest that this variant may disrupt the consensus splice site. Algorithms developed to predict the effect of missense changes on protein structure and function (SIFT, PolyPhen-2, Align-GVGD) all suggest that this variant is likely to be tolerated. This variant has not been reported in the literature in individuals affected with SMARCA4-related conditions. This variant is not present in population databases (gnomAD no frequency). This sequence change replaces lysine, which is basic and polar, with glutamic acid, which is acidic and polar, at codon 588 of the SMARCA4 protein (p.Lys588Glu). In summary, the available evidence is currently insufficient to determine the role of this variant in disease. Therefore, it has been classified as a Variant of Uncertain Significance.

NM_003072.5(SMARCA4):c.1762A>G (p.Lys588Glu)

Gene: SMARCA4 (SWI/SNF related BAF chromatin remodeling complex subunit ATPase 4; plus strand). Cytogenetic location: 19p13.2.
Variant type: single nucleotide variant.
Coding change: c.1762A>G on transcript NM_003072.5 (MANE Select); coding-DNA position 1762, A replaced by G.
Protein change: p.Lys588Glu; replaces lysine 588 with glutamic acid.
Molecular consequence: missense variant. On other transcripts: non-coding transcript variant (1).
Genome position (GRCh38, 1-based): chr19:10,996,494, A>G. VCF-style: chr19-10996494-A-G. GRCh37 (hg19) VCF-style: chr19-11107170-A-G.
Other names: c.1762A>G, p.Lys588Glu (NM_001128844.3, NM_001128845.2, NM_001128846.2 and 6 more transcripts); short protein forms K588E.
Identifiers: ClinVar variation 2134715 (VCV002134715.4), dbSNP rs2514310640, ClinGen allele CA404064707.